The following is an entry in ClinVar:

NM_000256.3(MYBPC3):c.1703T>A (p.Val568Asp)

Gene: MYBPC3 (myosin binding protein C3; minus strand). Cytogenetic location: 11p11.2.
Variant type: single nucleotide variant.
Coding change: c.1703T>A on transcript NM_000256.3 (MANE Select); coding-DNA position 1703, T replaced by A.
Protein change: p.Val568Asp; replaces valine 568 with aspartic acid.
Molecular consequence: missense variant.
Genome position (GRCh38, 1-based): chr11:47,342,078, A>T on the plus strand (T>A on the coding strand, the complement: MYBPC3 is on the minus strand). VCF-style: chr11-47342078-A-T. GRCh37 (hg19) VCF-style: chr11-47363629-A-T.
Other names: short protein forms V568D.
Identifiers: ClinVar variation 1413239 (VCV001413239.6), dbSNP rs2142860216, ClinGen allele CA380324336.

ClinVar aggregate classification (germline): Uncertain significance (1 of 4 stars; one submission).

Conditions:
Hypertrophic cardiomyopathy. Also called: HYPERTROPHIC MYOCARDIOPATHY. Identifiers: Orphanet 217569, MedGen C0007194, MeSH D002312, MONDO:0005045, HP:0001639.

Submission:

Labcorp Genetics (formerly Invitae), Labcorp
Classification: Uncertain significance for Hypertrophic cardiomyopathy. Last evaluated: 2021-08-24. Review status: criteria provided, single submitter. Criteria: Invitae Variant Classification Sherloc (09022015). Collection method: clinical testing. Allele origin: germline.
Comment: This sequence change replaces valine with aspartic acid at codon 568 of the MYBPC3 protein (p.Val568Asp). The valine residue is highly conserved and there is a large physicochemical difference between valine and aspartic acid. This variant is not present in population databases (ExAC no frequency). In summary, the available evidence is currently insufficient to determine the role of this variant in disease. Therefore, it has been classified as a Variant of Uncertain Significance. Algorithms developed to predict the effect of missense changes on protein structure and function (SIFT, PolyPhen-2, Align-GVGD) all suggest that this variant is likely to be disruptive. This variant has not been reported in the literature in individuals affected with MYBPC3-related conditions.